The following is an entry in ClinVar:

ClinVar aggregate classification (germline): Pathogenic (1 of 4 stars; one submission).

Conditions:
Fanconi anemia complementation group J. Also called: BRIP1-Related Fanconi Anemia. Identifiers: Orphanet 84, MedGen C1836860, MONDO:0012187, OMIM 609054.
Familial cancer of breast. Also called: BREAST CANCER, FAMILIAL; Hereditary breast cancer; hereditary breast carcinoma. Identifiers: Orphanet 227535, MedGen C0346153, MONDO:0016419, OMIM 114480. Disease mechanism: loss of function.

Submission:

Labcorp Genetics (formerly Invitae), Labcorp
Classification: Pathogenic for Familial cancer of breast; Fanconi anemia complementation group J. Last evaluated: 2022-12-12. Review status: criteria provided, single submitter. Criteria: Invitae Variant Classification Sherloc (09022015). Collection method: clinical testing. Allele origin: germline.
Comment: This sequence change creates a premature translational stop signal (p.Leu617Tyrfs*4) in the BRIP1 gene. It is expected to result in an absent or disrupted protein product. Loss-of-function variants in BRIP1 are known to be pathogenic (PMID: 16116423, 17033622, 21964575). This variant is not present in population databases (gnomAD no frequency). This variant has not been reported in the literature in individuals affected with BRIP1-related conditions. For these reasons, this variant has been classified as Pathogenic.

Literature cited by the submitters: PubMed 16116423; PubMed 17033622; PubMed 21964575.

NM_032043.3(BRIP1):c.1850del (p.Leu617fs)

Gene: BRIP1 (BRCA1 interacting DNA helicase 1; minus strand). Cytogenetic location: 17q23.2.
Variant type: Deletion.
Coding change: c.1850del on transcript NM_032043.3 (MANE Select); coding-DNA position 1850, one base deleted (T; older notation c.1850delT).
Protein change: p.Leu617fs; shifts the reading frame from leucine 617.
Molecular consequence: frameshift variant.
Genome position (GRCh38, 1-based): chr17:61,780,346, A deleted on the plus strand (T on the coding strand, the reverse complement: BRIP1 is on the minus strand); the first of 2 consecutive A bases (chr17:61,780,346-61,780,347); deleting either gives the same sequence. VCF-style (leftmost placement, unchanged base first): chr17-61780345-TA-T. GRCh37 (hg19) VCF-style: chr17-59857706-TA-T.
Other names: short protein forms L617fs.
Identifiers: ClinVar variation 2942235 (VCV002942235.3), dbSNP rs2145079010, ClinGen allele CA2733901670.
Genomic context (GRCh38, chr17:61,780,345, plus strand): 5'-AGCCTCCAGCTGGATAGTAAATGTAACACCAAGTTCTGACGAAAAGGATTTCATTGGTGA[TA>T]ATGTACCAGATGTCAAAACAATGGTCTGAACTTTGCCATTAATATCTGAAAAGGCCTAAA-3'